The following continues an entry in ClinVar:

NM_000441.2(SLC26A4):c.1174A>T (p.Asn392Tyr)

Gene: SLC26A4. ClinVar aggregate classification (germline): Pathogenic. Pathogenic (12).

Literature cited by the submitters, continued: PubMed 38563166 (cited by Genetics Research Center, University of Social Welfare and Rehabilitation Sciences); PubMed 28786104 (cited by Genetics Research Center, University of Social Welfare and Rehabilitation Sciences); PubMed 31656273 (cited by Genetics Research Center, University of Social Welfare and Rehabilitation Sciences); PubMed 23185506 (cited by Genetics Research Center, University of Social Welfare and Rehabilitation Sciences); PubMed 23151025 (cited by Genetics Research Center, University of Social Welfare and Rehabilitation Sciences); PubMed 28541280 (cited by Genetics Research Center, University of Social Welfare and Rehabilitation Sciences); PubMed 27176802 (cited by Genetics Research Center, University of Social Welfare and Rehabilitation Sciences); PubMed 21961810 (cited by 4 submitters); PubMed 25372295 (cited by Genetics Research Center, University of Social Welfare and Rehabilitation Sciences); PubMed 27247933 (cited by Genetics Research Center, University of Social Welfare and Rehabilitation Sciences); PubMed 2779275 (cited by Genetics Research Center, University of Social Welfare and Rehabilitation Sciences); PubMed 30973918 (cited by Genetics Research Center, University of Social Welfare and Rehabilitation Sciences); PubMed 22384008 (cited by Genetics Research Center, University of Social Welfare and Rehabilitation Sciences); PubMed 28505178 (cited by Genetics Research Center, University of Social Welfare and Rehabilitation Sciences); PubMed 28225033 (cited by Genetics Research Center, University of Social Welfare and Rehabilitation Sciences); PubMed 31541171 (cited by Genetics Research Center, University of Social Welfare and Rehabilitation Sciences); PubMed 27997596 (cited by Genetics Research Center, University of Social Welfare and Rehabilitation Sciences); PubMed 27627659 (cited by Genetics Research Center, University of Social Welfare and Rehabilitation Sciences); PubMed 31992338 (cited by Genetics Research Center, University of Social Welfare and Rehabilitation Sciences); PubMed 19744334 (cited by Genetics Research Center, University of Social Welfare and Rehabilitation Sciences); PubMed 27018795 (cited by Genetics Research Center, University of Social Welfare and Rehabilitation Sciences); PubMed 17718863 (cited by Labcorp Genetics (formerly Invitae), Labcorp); PubMed 19786220 (cited by Labcorp Genetics (formerly Invitae), Labcorp and National Institute of Sensory Organs, National Hospital Organization Tokyo Medical Center); PubMed 20826203 (cited by Labcorp Genetics (formerly Invitae), Labcorp and National Institute of Sensory Organs, National Hospital Organization Tokyo Medical Center); PubMed 25015771 (cited by Natera, Inc.); PubMed 31427586 (cited by Natera, Inc.); PubMed 12676893 (cited by National Institute of Sensory Organs, National Hospital Organization Tokyo Medical Center); PubMed 20842945 (cited by National Institute of Sensory Organs, National Hospital Organization Tokyo Medical Center); PubMed 25266519 (cited by National Institute of Sensory Organs, National Hospital Organization Tokyo Medical Center); PubMed 27771369 (cited by National Institute of Sensory Organs, National Hospital Organization Tokyo Medical Center); PubMed 31599023 (cited by National Institute of Sensory Organs, National Hospital Organization Tokyo Medical Center).